The following is an entry in ClinVar:

NM_001267550.2(TTN):c.90451C>T (p.Leu30151Phe)

Genes: TTN-AS1 (TTN antisense RNA 1; plus strand), TTN (titin; minus strand). Cytogenetic location: 2q31.2.
Variant type: single nucleotide variant.
Coding change: c.90451C>T on transcript NM_001267550.2 (MANE Select); coding-DNA position 90451, C replaced by T.
Protein change: p.Leu30151Phe; replaces leucine 30151 with phenylalanine.
Molecular consequence: missense variant.
Genome position (GRCh38, 1-based): chr2:178,552,449, G>A on the plus strand (C>T on the coding strand, the complement: TTN is on the minus strand). VCF-style: chr2-178552449-G-A. GRCh37 (hg19) VCF-style: chr2-179417176-G-A.
Other names: c.85528C>T, p.Leu28510Phe (NM_001256850.1); c.63256C>T, p.Leu21086Phe (NM_003319.4); c.82747C>T, p.Leu27583Phe (NM_133378.4); c.63631C>T, p.Leu21211Phe (NM_133432.3); c.63832C>T, p.Leu21278Phe (NM_133437.4); short protein forms L30151F, L21086F, L28510F, L21211F, L27583F, L21278F.
Identifiers: ClinVar variation 467629 (VCV000467629.10), dbSNP rs750520740, ClinGen allele CA1987789.

ClinVar aggregate classification (germline): Uncertain significance. Review status: criteria provided, multiple submitters, no conflicts (2 of 4 stars). 4 submissions from 4 submitters: Uncertain significance (4). Last evaluated 2021-10-02.

Conditions:
Cardiomyopathy (CMYO). Also called: Cardiomyopathies. Identifiers: Orphanet 167848, MedGen C0878544, MONDO:0004994, HP:0001638. Inheritance: Various modes of inheritance.
Autosomal recessive limb-girdle muscular dystrophy type 2J (LGMDR10). Also called: Limb-girdle muscular dystrophy, type 2J; MUSCULAR DYSTROPHY, LIMB-GIRDLE, AUTOSOMAL RECESSIVE 10. Identifiers: Orphanet 140922, MedGen C1837342, MONDO:0012127, OMIM 608807.
Dilated cardiomyopathy 1G (CMD1G). Identifiers: Orphanet 154, MedGen C1858763, MONDO:0011400, OMIM 604145.
Cardiovascular phenotype. Identifiers: MedGen CN230736.

Allele frequency attached by ClinVar (database versions not stated): gnomAD exomes below 0.00001; TOPMed below 0.00001; ExAC 0.00001.
gnomAD v4.1: 2 of 1,605,120 alleles (0.00012%); highest among the groups gnomAD compares: Admixed American, 0.0017%; no homozygotes.

Submissions (4):

Women's Health and Genetics/Laboratory Corporation of America, LabCorp
Classification: Uncertain significance. Last evaluated: 2021-10-02. Review status: criteria provided, single submitter. Criteria: LabCorp Variant Classification Summary - May 2015. Collection method: clinical testing. Allele origin: germline.

Ambry Genetics
Classification: Uncertain significance for Cardiovascular phenotype. Last evaluated: 2019-02-05. Review status: criteria provided, single submitter. Criteria: Ambry Variant Classification Scheme 2023. Collection method: clinical testing. Allele origin: germline.
Comment: The p.L21086F variant (also known as c.63256C>T), located in coding exon 162 of the TTN gene, results from a C to T substitution at nucleotide position 63256, and is located in the A-band region of the N2-B isoform of the titin protein. The leucine at codon 21086 is replaced by phenylalanine, an amino acid with highly similar properties. This amino acid position is not well conserved in available vertebrate species. In addition, the in silico prediction for this alteration is inconclusive. Since supporting evidence is limited at this time, the clinical significance of this variant remains unclear.

CHEO Genetics Diagnostic Laboratory, Children's Hospital of Eastern Ontario
Classification: Uncertain significance for Cardiomyopathy. Last evaluated: 2017-09-07. Review status: criteria provided, single submitter. Criteria: ACMG Guidelines, 2015. Collection method: clinical testing. Allele origin: germline. Study: Canadian Open Genetics Repository.

Labcorp Genetics (formerly Invitae), Labcorp
Classification: Uncertain significance for Dilated cardiomyopathy 1G; Autosomal recessive limb-girdle muscular dystrophy type 2J. Last evaluated: 2017-05-25. Review status: criteria provided, single submitter. Criteria: Invitae Variant Classification Sherloc (09022015). Collection method: clinical testing. Allele origin: germline.